The following is an entry in ClinVar:

ClinVar aggregate classification (germline): Pathogenic (1 of 4 stars; one submission).

Conditions:
Telangiectasia, hereditary hemorrhagic, type 2 (HHT2). Also called: ACVRL1-Related Hereditary Hemorrhagic Telangiectasia; Telangiectasia, hereditary hemorrhagic, type II. Identifiers: Orphanet 774, MedGen C1838163, MONDO:0010880, OMIM 600376. Disease mechanism: loss of function.

Submission:

Labcorp Genetics (formerly Invitae), Labcorp
Classification: Pathogenic for Telangiectasia, hereditary hemorrhagic, type 2. Last evaluated: 2023-11-02. Review status: criteria provided, single submitter. Criteria: Invitae Variant Classification Sherloc (09022015). Collection method: clinical testing. Allele origin: germline.
Comment: This sequence change affects a donor splice site in intron 3 of the ACVRL1 gene. It is expected to disrupt RNA splicing. Variants that disrupt the donor or acceptor splice site typically lead to a loss of protein function (PMID: 16199547), and loss-of-function variants in ACVRL1 are known to be pathogenic (PMID: 15879500). This variant is not present in population databases (gnomAD no frequency). Disruption of this splice site has been observed in individual(s) with hereditary hemorrhagic telangiectasia (Invitae). It has also been observed to segregate with disease in related individuals. Algorithms developed to predict the effect of sequence changes on RNA splicing suggest that this variant may disrupt the consensus splice site. For these reasons, this variant has been classified as Pathogenic.

Literature cited by the submitters: PubMed 16199547; PubMed 15879500.

NM_000020.3(ACVRL1):c.313+1G>C

Gene: ACVRL1 (activin A receptor like type 1; plus strand). Cytogenetic location: 12q13.13.
Variant type: single nucleotide variant.
Coding change: c.313+1G>C on transcript NM_000020.3 (MANE Select); the canonical splice donor site of the intron after coding-DNA position 313, G replaced by C.
Molecular consequence: splice donor variant. On other transcripts: intron variant (1).
Genome position (GRCh38, 1-based): chr12:51,913,351, G>C. VCF-style: chr12-51913351-G-C. GRCh37 (hg19) VCF-style: chr12-52307135-G-C.
Other names: c.313+1G>C (NM_001406487.1, NM_001406491.1, NM_001406488.1 and 6 more transcripts); c.61+816G>C (NM_001406495.1).
Identifiers: ClinVar variation 2692849 (VCV002692849.3), dbSNP rs1555152548, ClinGen allele CA384898145.